The following is an entry in ClinVar:

NM_000341.4(SLC3A1):c.1684G>C (p.Glu562Gln)

Genes: PREPL (prolyl endopeptidase like; minus strand), SLC3A1 (solute carrier family 3 member 1; plus strand). Cytogenetic location: 2p21.
Variant type: single nucleotide variant.
Coding change: c.1684G>C on transcript NM_000341.4 (MANE Select); coding-DNA position 1684, G replaced by C.
Protein change: p.Glu562Gln; replaces glutamic acid 562 with glutamine.
Molecular consequence: missense variant. On other transcripts: 3 prime UTR variant (10).
Genome position (GRCh38, 1-based): chr2:44,320,265, G>C. VCF-style: chr2-44320265-G-C. GRCh37 (hg19) VCF-style: chr2-44547404-G-C.
Other names: c.*1091C>G (NM_001042385.2, NM_001042386.2, NM_001171603.1 and 7 more transcripts); short protein forms E562Q.
Identifiers: ClinVar variation 2734177 (VCV002734177.4), dbSNP rs778494750, ClinGen allele CA1640736.

ClinVar aggregate classification (germline): Uncertain significance. Review status: criteria provided, multiple submitters, no conflicts (2 of 4 stars). 2 submissions from 2 submitters: Uncertain significance (2). Last evaluated 2023-08-16.

Conditions:
Cystinuria (CSNU). Also called: CYSTINURIA, TYPE I; CYSTINURIA, TYPE II; CYSTINURIA, TYPE III; Cystinuria, non-type I. Identifiers: Orphanet 214, MedGen C0010691, MONDO:0009067, OMIM 220100, HP:0003131.

Allele frequency attached by ClinVar (database versions not stated): TOPMed below 0.00001; ExAC 0.00002.
gnomAD v4.1: 8 of 1,614,092 alleles (0.0005%); highest among the groups gnomAD compares: Non-Finnish European, 0.00068%; no homozygotes.

Submissions (2):

Labcorp Genetics (formerly Invitae), Labcorp
Classification: Uncertain significance for Cystinuria. Last evaluated: 2023-08-16. Review status: criteria provided, single submitter. Criteria: Invitae Variant Classification Sherloc (09022015). Collection method: clinical testing. Allele origin: germline.
Comment: In summary, the available evidence is currently insufficient to determine the role of this variant in disease. Therefore, it has been classified as a Variant of Uncertain Significance. Advanced modeling of protein sequence and biophysical properties (such as structural, functional, and spatial information, amino acid conservation, physicochemical variation, residue mobility, and thermodynamic stability) has been performed at Invitae for this missense variant, however the output from this modeling did not meet the statistical confidence thresholds required to predict the impact of this variant on SLC3A1 protein function. This missense change has been observed in individual(s) with clinical features of Cystinuria (PMID: 28717662, 30586318). This variant is present in population databases (rs778494750, gnomAD 0.003%). This sequence change replaces glutamic acid, which is acidic and polar, with glutamine, which is neutral and polar, at codon 562 of the SLC3A1 protein (p.Glu562Gln).

Blueprint Genetics
Classification: Uncertain significance. Last evaluated: 2023-01-30. Review status: criteria provided, single submitter. Criteria: ACMG Guidelines, 2015. Collection method: clinical testing. Allele origin: germline.

Literature cited by the submitters: PubMed 28717662 (cited by Labcorp Genetics (formerly Invitae), Labcorp); PubMed 30586318 (cited by Labcorp Genetics (formerly Invitae), Labcorp).